The following is an entry in ClinVar:

ClinVar aggregate classification (germline): Uncertain significance (1 of 4 stars; one submission).

gnomAD v4.1: 1 of 1,445,812 alleles (0.000069%); highest among the groups gnomAD compares: Non-Finnish European, 0.000092%; no homozygotes.

Submission:

Labcorp Genetics (formerly Invitae), Labcorp
Classification: Uncertain significance. Last evaluated: 2025-12-18. Review status: criteria provided, single submitter. Criteria: Invitae Variant Classification Sherloc (09022015). Collection method: clinical testing. Allele origin: germline.
Comment: This sequence change replaces isoleucine, which is neutral and non-polar, with methionine, which is neutral and non-polar, at codon 377 of the APPL1 protein (p.Ile377Met). This variant is not present in population databases (gnomAD no frequency). This variant has not been reported in the literature in individuals affected with APPL1-related conditions. Invitae Evidence Modeling of protein sequence and biophysical properties (such as structural, functional, and spatial information, amino acid conservation, physicochemical variation, residue mobility, and thermodynamic stability) indicates that this missense variant is not expected to disrupt APPL1 protein function with a negative predictive value of 80%. In summary, the available evidence is currently insufficient to determine the role of this variant in disease. Therefore, it has been classified as a Variant of Uncertain Significance.

NM_012096.3(APPL1):c.1131A>G (p.Ile377Met)

Gene: APPL1 (adaptor protein, phosphotyrosine interacting with PH domain and leucine zipper 1; plus strand). Cytogenetic location: 3p14.3.
Variant type: single nucleotide variant.
Coding change: c.1131A>G on transcript NM_012096.3 (MANE Select); coding-DNA position 1131, A replaced by G.
Protein change: p.Ile377Met; replaces isoleucine 377 with methionine.
Molecular consequence: missense variant.
Genome position (GRCh38, 1-based): chr3:57,253,717, A>G. VCF-style: chr3-57253717-A-G. GRCh37 (hg19) VCF-style: chr3-57287745-A-G.
Other names: short protein forms I377M.
Identifiers: ClinVar variation 4742154 (VCV004742154.1).